The following is an entry in ClinVar:

ClinVar aggregate classification (germline): Uncertain significance (1 of 4 stars; one submission).

Conditions:
DDX41-related disorder. Also called: DDX41-related condition.

Submission:

PreventionGenetics, part of Exact Sciences
Classification: Uncertain significance for DDX41-related condition. Last evaluated: 2023-03-06. Review status: criteria provided, single submitter. Criteria: ACMG Guidelines, 2015. Collection method: clinical testing. Allele origin: germline.
Comment: The DDX41 c.583G>C variant is predicted to result in the amino acid substitution p.Gly195Arg. To our knowledge, this variant has not been reported in the literature or in a large population database, indicating this variant is rare. At this time, the clinical significance of this variant is uncertain due to the absence of conclusive functional and genetic evidence.

NM_016222.4(DDX41):c.583G>C (p.Gly195Arg)

Gene: DDX41 (DEAD-box helicase 41; minus strand). Cytogenetic location: 5q35.3.
Variant type: single nucleotide variant.
Coding change: c.583G>C on transcript NM_016222.4 (MANE Select); coding-DNA position 583, G replaced by C.
Protein change: p.Gly195Arg; replaces glycine 195 with arginine.
Molecular consequence: missense variant.
Genome position (GRCh38, 1-based): chr5:177,515,247, C>G on the plus strand (G>C on the coding strand, the complement: DDX41 is on the minus strand). VCF-style: chr5-177515247-C-G. GRCh37 (hg19) VCF-style: chr5-176942248-C-G.
Other names: c.205G>C, p.Gly69Arg (NM_001321732.2, NM_001321830.2); short protein forms G195R, G69R.
Identifiers: ClinVar variation 2633576 (VCV002633576.1), dbSNP rs771510721, ClinGen allele CA362375746.